The following is an entry in ClinVar:

NM_000138.5(FBN1):c.3064G>T (p.Gly1022Ter)

Gene: FBN1 (fibrillin 1; minus strand). Cytogenetic location: 15q21.1.
Variant type: single nucleotide variant.
Coding change: c.3064G>T on transcript NM_000138.5 (MANE Select); coding-DNA position 3064, G replaced by T.
Protein change: p.Gly1022Ter; replaces glycine 1022 with a stop codon.
Molecular consequence: nonsense.
Genome position (GRCh38, 1-based): chr15:48,489,869, C>A on the plus strand (G>T on the coding strand, the complement: FBN1 is on the minus strand). VCF-style: chr15-48489869-C-A. GRCh37 (hg19) VCF-style: chr15-48782066-C-A.
Other names: c.3064G>T, p.Gly1022Ter (NM_001406716.1); short protein forms G1022*.
Identifiers: ClinVar variation 1799412 (VCV001799412.3), dbSNP rs2505557615, ClinGen allele CA392328911.

ClinVar aggregate classification (germline): Pathogenic/Likely pathogenic. Review status: criteria provided, multiple submitters, no conflicts (2 of 4 stars). 2 submissions from 2 submitters: Pathogenic (1); Likely pathogenic (1). Last evaluated 2020-11-03.

Conditions:
Marfan syndrome (MFS). Also called: Marfan's syndrome; Marfan syndrome, classic; MARFAN SYNDROME, TYPE I; Marfan syndrome type 1; FBN1-Related Marfan Syndrome. Identifiers: Orphanet 284963, Orphanet 558, MedGen C0024796, MONDO:0007947, OMIM 154700.
Familial thoracic aortic aneurysm and aortic dissection (TAAD). Also called: Thoracic aortic aneurysms and dissections. Identifiers: Orphanet 91387, MedGen C4707243, MONDO:0019625.

Submissions (2):

Ambry Genetics
Classification: Pathogenic for Familial thoracic aortic aneurysm and aortic dissection. Last evaluated: 2020-11-03. Review status: criteria provided, single submitter. Criteria: Ambry Variant Classification Scheme 2023. Collection method: clinical testing. Allele origin: germline.
Comment: The p.G1022* pathogenic mutation (also known as c.3064G>T), located in coding exon 24 of the FBN1 gene, results from a G to T substitution at nucleotide position 3064. This changes the amino acid from a glycine to a stop codon within coding exon 24. This mutation has been reported in an individual with a clinical diagnosis of Marfan syndrome, although specific phenotype findings were not provided (Wolford BN et al. Circ Genom Precis Med, 2019 06;12:e002476). In addition to the clinical data presented in the literature, this alteration is expected to result in loss of function by premature protein truncation or nonsense-mediated mRNA decay. As such, this alteration is interpreted as a disease-causing mutation.

Laboratory for Molecular Medicine, Mass General Brigham Personalized Medicine
Classification: Likely pathogenic for Marfan syndrome. Last evaluated: 2019-04-16. Review status: criteria provided, single submitter. Criteria: ACMG Guidelines, 2015. Collection method: clinical testing. Allele origin: germline. Inheritance: Autosomal dominant inheritance.
Comment: The p.Gly1022X variant in FBN1 has not been previously reported in individuals with Marfan syndrome and was absent from large population studies. This nonsense variant leads to a premature termination codon at position 1022, which is predicted to lead to a truncated or absent protein. Heterozygous loss of function of the FBN1 gene is an established disease mechanism in Marfan syndrome. In summary, although additional studies are required to fully establish its clinical significance, the p.Gly1022X variant meets criteria to be classified as likely pathogenic for autosomal dominant Marfan syndrome. ACMG/AMP Criteria applied: PVS1, PM2.

Literature cited by the submitters: PubMed 31211624 (cited by Ambry Genetics).